The following is an entry in ClinVar:

NM_022455.5(NSD1):c.7704dup (p.Pro2569fs)

Gene: NSD1 (nuclear receptor binding SET domain protein 1; plus strand). Cytogenetic location: 5q35.3.
Variant type: Duplication.
Coding change: c.7704dup on transcript NM_022455.5 (MANE Select); coding-DNA position 7704, one base duplicated (G; older notation c.7704dupG).
Protein change: p.Pro2569fs; shifts the reading frame from proline 2569.
Molecular consequence: frameshift variant.
Genome position (GRCh38, 1-based): chr5:177,295,072, G duplicated; the last of 3 consecutive G bases (chr5:177,295,070-177,295,072); duplicating any one gives the same sequence. VCF-style (leftmost placement, unchanged base first): chr5-177295069-A-AG. GRCh37 (hg19) VCF-style: chr5-176722070-A-AG.
Other names: c.6831dup, p.Pro2278fs (NM_001365684.2, NM_001409308.1, NM_172349.5); c.7704dup, p.Pro2569fs (NM_001409301.1, NM_001409302.1, NM_001409303.1); c.7284dup, p.Pro2429fs (NM_001409304.1); c.6951dup, p.Pro2318fs (NM_001409305.1); c.6942dup, p.Pro2315fs (NM_001409306.1, NM_001409307.1); c.6582dup, p.Pro2195fs (NM_001409309.1); short protein forms P2195fs, P2278fs, P2315fs, P2318fs, P2429fs, P2569fs.
Identifiers: ClinVar variation 3389874 (VCV003389874.14).

ClinVar aggregate classification (germline): Uncertain significance (1 of 4 stars; one submission).

Submission:

CeGaT Center for Human Genetics Tuebingen
Classification: Uncertain significance. Last evaluated: 2024-10-01. Review status: criteria provided, single submitter. Criteria: CeGaT Center For Human Genetics Tuebingen Variant Classification Criteria Version 2. Collection method: clinical testing. Allele origin: germline. Affected: yes. Observed: 1 variant allele.
Comment: NSD1: PM2